The following is an entry in ClinVar:

ClinVar aggregate classification (germline): Pathogenic/Likely pathogenic. Review status: criteria provided, multiple submitters, no conflicts (2 of 4 stars). 7 submissions from 7 submitters: Pathogenic (3); Likely pathogenic (4). Last evaluated 2026-07-31.

Conditions:
Stargardt disease (FFM). Also called: Fundus flavimaculatus; Stargardt's disease. Identifiers: Orphanet 827, MedGen C0271093, MONDO:0019353.
ABCA4-related disorder. Also called: ABCA4-related condition; ABCA4-related disorders. Identifiers: MedGen CN239167.

Allele frequency attached by ClinVar (database versions not stated): gnomAD exomes 0.00003 and 0.00007; ExAC 0.00007; TOPMed 0.00015; gnomAD 0.00019 and 0.00020; 1000 Genomes Project 0.00020; 1000 Genomes Project 30x 0.00031; ESP Exome Variant Server 0.00031.
gnomAD v4.1: 64 of 1,614,178 alleles (0.004%); highest among the groups gnomAD compares: African/African-American, 0.076%; no homozygotes.

Submissions (7):

GeneDx
Classification: Likely pathogenic. Last evaluated: 2026-07-31. Review status: criteria provided, single submitter. Criteria: GeneDx Variant Classification Process June 2021. Collection method: clinical testing. Allele origin: germline.
Comment: In silico analysis supports that this missense variant has a deleterious effect on protein structure/function; This variant is associated with the following publications: (PMID: 23755871, 25066811, 24695063, 35119454)

PreventionGenetics, part of Exact Sciences
Classification: Likely pathogenic for ABCA4-related condition. Last evaluated: 2026-06-23. Review status: criteria provided, single submitter. Criteria: ACMG Guidelines, 2015. Collection method: clinical testing. Allele origin: germline.
Comment: The ABCA4 c.1592A>G variant is predicted to result in the amino acid substitution p.Glu531Gly. This variant has been reported in the compound heterozygous state or along with a second causative ABCA4 variant in individuals with Stargardt disease or ABCA4-related retinal disease (Table S1, Del Pozo-Valero et al. 2020. PubMed ID: 32619608; Zernant et al. 2014. PubMed ID: 25066811; Supplementary Material Table 1, Riveiro-Alvarez et al. 2013. PubMed ID: 23755871). This variant is reported in 0.076% of alleles in individuals of African descent in gnomAD. This variant is interpreted as likely pathogenic.

Labcorp Genetics (formerly Invitae), Labcorp
Classification: Pathogenic. Last evaluated: 2025-12-15. Review status: criteria provided, single submitter. Criteria: Invitae Variant Classification Sherloc (09022015). Collection method: clinical testing. Allele origin: germline.
Comment: This sequence change replaces glutamic acid, which is acidic and polar, with glycine, which is neutral and non-polar, at codon 531 of the ABCA4 protein (p.Glu531Gly). This variant is present in population databases (rs145718830, gnomAD 0.08%). This missense change has been observed in individual(s) with clinical features of Stargardt disease or cone-rod dystrophy (PMID: 23755871, 25066811; internal data). In at least one individual the data is consistent with being in trans (on the opposite chromosome) from a pathogenic variant. ClinVar contains an entry for this variant (Variation ID: 843109). Invitae Evidence Modeling of protein sequence and biophysical properties (such as structural, functional, and spatial information, amino acid conservation, physicochemical variation, residue mobility, and thermodynamic stability) indicates that this missense variant is expected to disrupt ABCA4 protein function with a positive predictive value of 95%. For these reasons, this variant has been classified as Pathogenic.

Women's Health and Genetics/Laboratory Corporation of America, LabCorp
Classification: Likely pathogenic for Stargardt disease. Last evaluated: 2025-05-23. Review status: criteria provided, single submitter. Criteria: LabCorp Variant Classification Summary - May 2015. Collection method: clinical testing. Allele origin: germline.
Comment: Variant summary: ABCA4 c.1592A>G (p.Glu531Gly) results in a non-conservative amino acid change in the encoded protein sequence. Algorithms developed to predict the effect of missense changes on protein structure and function all suggest that this variant is likely to be disruptive. The variant allele was found at a frequency of 6.8e-05 in 251372 control chromosomes. This frequency is not significantly higher than estimated for a pathogenic variant in ABCA4 causing Stargardt Disease (6.8e-05 vs 0.0014), allowing no conclusion about variant significance. c.1592A>G has been observed in individual(s) affected with Stargardt Disease (Zernant_2014, DelPozo-Valero_2020, internal data). These data indicate that the variant is likely to be associated with disease. To our knowledge, no experimental evidence demonstrating an impact on protein function has been reported. The following publications have been ascertained in the context of this evaluation (PMID: 32619608, 25066811). ClinVar contains an entry for this variant (Variation ID: 843109). Based on the evidence outlined above, the variant was classified as likely pathogenic.

Blueprint Genetics
Classification: Pathogenic for ABCA4-related disorders. Last evaluated: 2024-05-24. Review status: criteria provided, single submitter. Criteria: ACMG Guidelines, 2015. Collection method: clinical testing. Allele origin: germline. Affected: yes. Observed: 5 variant alleles.

Revvity Omics, Revvity
Classification: Likely pathogenic. Last evaluated: 2024-03-07. Review status: criteria provided, single submitter. Criteria: ACMG Guidelines, 2015. Collection method: clinical testing. Allele origin: germline.

CeGaT Center for Human Genetics Tuebingen
Classification: Pathogenic. Last evaluated: 2019-11-01. Review status: criteria provided, single submitter. Criteria: CeGaT Center For Human Genetics Tuebingen Variant Classification Criteria Version 2. Collection method: clinical testing. Allele origin: germline. Affected: yes. Observed: 1 variant allele.

Literature cited by the submitters: PubMed 23755871 (cited by Labcorp Genetics (formerly Invitae), Labcorp); PubMed 25066811 (cited by Labcorp Genetics (formerly Invitae), Labcorp and Women's Health and Genetics/Laboratory Corporation of America, LabCorp); PubMed 32619608 (cited by Women's Health and Genetics/Laboratory Corporation of America, LabCorp).

NM_000350.3(ABCA4):c.1592A>G (p.Glu531Gly)

Gene: ABCA4 (ATP binding cassette subfamily A member 4; minus strand). Cytogenetic location: 1p22.1.
Variant type: single nucleotide variant.
Coding change: c.1592A>G on transcript NM_000350.3 (MANE Select); coding-DNA position 1592, A replaced by G.
Protein change: p.Glu531Gly; replaces glutamic acid 531 with glycine.
Molecular consequence: missense variant.
Genome position (GRCh38, 1-based): chr1:94,063,280, T>C on the plus strand (A>G on the coding strand, the complement: ABCA4 is on the minus strand). VCF-style: chr1-94063280-T-C. GRCh37 (hg19) VCF-style: chr1-94528836-T-C.
Other names: c.1592A>G, p.Glu531Gly (NM_001425324.1); short protein forms E531G.
Identifiers: ClinVar variation 843109 (VCV000843109.59), dbSNP rs145718830, ClinGen allele CA958469.